The following is an entry in ClinVar:

NM_004006.3(DMD):c.4337T>C (p.Val1446Ala)

Gene: DMD (dystrophin; minus strand). Cytogenetic location: Xp21.1.
Variant type: single nucleotide variant.
Coding change: c.4337T>C on transcript NM_004006.3 (MANE Select); coding-DNA position 4337, T replaced by C.
Protein change: p.Val1446Ala; replaces valine 1446 with alanine.
Molecular consequence: missense variant.
Genome position (GRCh38, 1-based): chrX:32,390,078, A>G on the plus strand (T>C on the coding strand, the complement: DMD is on the minus strand). VCF-style: chrX-32390078-A-G. GRCh37 (hg19) VCF-style: chrX-32408195-A-G.
Other names: c.4313T>C, p.Val1438Ala (NM_000109.4); c.4325T>C, p.Val1442Ala (NM_004009.3); c.3968T>C, p.Val1323Ala (NM_004010.3); c.314T>C, p.Val105Ala (NM_004011.4); c.305T>C, p.Val102Ala (NM_004012.4); short protein forms V1446A, V105A, V1323A, V102A, V1442A, V1438A.
Identifiers: ClinVar variation 517690 (VCV000517690.1), dbSNP rs1557322713, ClinGen allele CA412663892.

ClinVar aggregate classification (germline): Likely benign (1 of 4 stars; one submission).

Submission:

GeneDx
Classification: Likely benign. Last evaluated: 2017-01-25. Review status: criteria provided, single submitter. Criteria: GeneDx Variant Classification (06012015). Collection method: clinical testing. Allele origin: germline. Affected: yes.
Comment: This variant is considered likely benign or benign based on one or more of the following criteria: it is a conservative change, it occurs at a poorly conserved position in the protein, it is predicted to be benign by multiple in silico algorithms, and/or has population frequency not consistent with disease.